The following is an entry in ClinVar:

NM_032578.4(MYPN):c.895C>A (p.Gln299Lys)

Gene: MYPN (myopalladin; plus strand). Cytogenetic location: 10q21.3.
Variant type: single nucleotide variant.
Coding change: c.895C>A on transcript NM_032578.4 (MANE Select); coding-DNA position 895, C replaced by A.
Protein change: p.Gln299Lys; replaces glutamine 299 with lysine.
Molecular consequence: missense variant. On other transcripts: 5 prime UTR variant (1), non-coding transcript variant (1).
Genome position (GRCh38, 1-based): chr10:68,122,333, C>A. VCF-style: chr10-68122333-C-A. GRCh37 (hg19) VCF-style: chr10-69882090-C-A.
Other names: c.895C>A, p.Gln299Lys (NM_001256267.2); c.-228C>A (NM_001256268.2); short protein forms Q299K.
Identifiers: ClinVar variation 1502822 (VCV001502822.9), dbSNP rs1299051222, ClinGen allele CA377105324.

ClinVar aggregate classification (germline): Uncertain significance. Review status: criteria provided, multiple submitters, no conflicts (2 of 4 stars). 2 submissions from 2 submitters: Uncertain significance (2). Last evaluated 2021-10-29.

Conditions:
Dilated cardiomyopathy 1KK (CMD1KK). Identifiers: Orphanet 154, Orphanet 75249, MedGen C3714995, MONDO:0014100, OMIM 615248.
MYPN-related myopathy (CMYO24). Also called: Nemaline myopathy 11, autosomal recessive. Identifiers: MedGen C4479186, MONDO:0015023, OMIM 617336.

Allele frequency attached by ClinVar (database versions not stated): TOPMed below 0.00001; gnomAD 0.00001.
gnomAD v4.1: 1 of 1,613,088 alleles (0.000062%); highest among the groups gnomAD compares: Non-Finnish European, 0.000085%; no homozygotes.

Submissions (2):

Fulgent Genetics
Classification: Uncertain significance for Dilated cardiomyopathy 1KK; MYPN-related myopathy. Last evaluated: 2021-10-29. Review status: criteria provided, single submitter. Criteria: ACMG Guidelines, 2015. Collection method: clinical testing. Allele origin: unknown.

Labcorp Genetics (formerly Invitae), Labcorp
Classification: Uncertain significance for Dilated cardiomyopathy 1KK. Last evaluated: 2021-05-01. Review status: criteria provided, single submitter. Criteria: Invitae Variant Classification Sherloc (09022015). Collection method: clinical testing. Allele origin: germline.
Comment: In summary, the available evidence is currently insufficient to determine the role of this variant in disease. Therefore, it has been classified as a Variant of Uncertain Significance. Algorithms developed to predict the effect of missense changes on protein structure and function (SIFT, PolyPhen-2, Align-GVGD) all suggest that this variant is likely to be tolerated, but these predictions have not been confirmed by published functional studies and their clinical significance is uncertain. This variant has not been reported in the literature in individuals with MYPN-related conditions. This variant is not present in population databases (ExAC no frequency). This sequence change replaces glutamine with lysine at codon 299 of the MYPN protein (p.Gln299Lys). The glutamine residue is moderately conserved and there is a small physicochemical difference between glutamine and lysine.